The following is an entry in ClinVar:

ClinVar aggregate classification (germline): Uncertain significance (1 of 4 stars; one submission).

Conditions:
WNT7A-related disoder.

gnomAD v4.1: 14 of 1,613,778 alleles (0.00087%); highest among the groups gnomAD compares: Middle Eastern, 0.017%; no homozygotes.

Submission:

Daryl Scott Lab, Baylor College of Medicine
Classification: Uncertain significance for WNT7A-related disoder. Last evaluated: 2024-01-01. Review status: criteria provided, single submitter. Criteria: ACMG Guidelines, 2015. Collection method: clinical testing. Allele origin: biparental. Observed: 1 homozygote.
Comment: PM2, PP3

NM_004625.4(WNT7A):c.352G>A (p.Ala118Thr)

Genes: WNT7A (Wnt family member 7A; minus strand), LOC126806608 (P300/CBP strongly-dependent group 1 enhancer GRCh37_chr3:13895244-13896443; plus strand). Cytogenetic location: 3p25.1.
Variant type: single nucleotide variant.
Coding change: c.352G>A on transcript NM_004625.4 (MANE Select); coding-DNA position 352, G replaced by A.
Protein change: p.Ala118Thr; replaces alanine 118 with threonine.
Molecular consequence: missense variant.
Genome position (GRCh38, 1-based): chr3:13,854,750, C>T on the plus strand (G>A on the coding strand, the complement: WNT7A is on the minus strand). VCF-style: chr3-13854750-C-T. GRCh37 (hg19) VCF-style: chr3-13896247-C-T.
Other names: short protein forms A118T.
Identifiers: ClinVar variation 3764619 (VCV003764619.1).
Genomic context (GRCh38, chr3:13,854,750, plus strand): 5'-GCTTCTCTTTGTCGCAGCCACAGTCGCTCAGGTTGCCCTGGGTACAGGCAGCTGTGATGG[C>T]GTGGGCCACGCCGGCGGCAATGATGGCGTAGGTGAACGCAGCCTCCCGGCTCCCTGCGAG-3'
Protein context (NP_004616.2, residues 108-128): YAIIAAGVAH[Ala118Thr]ITAACTQGNL